The following is an entry in ClinVar:

NM_006949.4(STXBP2):c.1279C>T (p.Gln427Ter)

Gene: STXBP2 (syntaxin binding protein 2; plus strand). Cytogenetic location: 19p13.2.
Variant type: single nucleotide variant.
Coding change: c.1279C>T on transcript NM_006949.4 (MANE Select); coding-DNA position 1279, C replaced by T.
Protein change: p.Gln427Ter; replaces glutamine 427 with a stop codon.
Molecular consequence: nonsense. On other transcripts: non-coding transcript variant (1).
Genome position (GRCh38, 1-based): chr19:7,645,229, C>T. VCF-style: chr19-7645229-C-T. GRCh37 (hg19) VCF-style: chr19-7710115-C-T.
Other names: c.1270C>T, p.Gln424Ter (NM_001127396.3); c.1312C>T, p.Gln438Ter (NM_001272034.2); short protein forms Q424*, Q427*, Q438*.
Identifiers: ClinVar variation 1709104 (VCV001709104.3), dbSNP rs2512707947, ClinGen allele CA403161346.

ClinVar aggregate classification (germline): Likely pathogenic (1 of 4 stars; one submission).

Conditions:
Familial hemophagocytic lymphohistiocytosis 5. Also called: STXBP2-Related Familial Hemophagocytic Lymphohistiocytosis (STXBP2-fHLH). Identifiers: Orphanet 540, MedGen C2751293, MONDO:0013135, OMIM 613101.

Submission:

MGZ Medical Genetics Center
Classification: Likely pathogenic for Familial hemophagocytic lymphohistiocytosis 5. Last evaluated: 2022-01-03. Review status: criteria provided, single submitter. Criteria: ACMG Guidelines, 2015. Collection method: clinical testing. Allele origin: germline. Affected: yes. Observed: 2 variant alleles.
Comment: ACMG criteria applied: PVS1, PM2_SUP